The following is an entry in ClinVar:

ClinVar aggregate classification (germline): Uncertain significance (1 of 4 stars; one submission).

Conditions:
RFT1-congenital disorder of glycosylation (CDG1N). Also called: Congenital disorder of glycosylation type In; CDG In; RFT1-CDG. Identifiers: Orphanet 244310, MedGen C2677590, MONDO:0012783, OMIM 612015.

Allele frequency attached by ClinVar (database versions not stated): ExAC 0.00001; gnomAD exomes 0.00001 and 0.00002; gnomAD 0.00009; TOPMed 0.00010.
gnomAD v4.1: 27 of 1,565,030 alleles (0.0017%); highest among the groups gnomAD compares: Middle Eastern, 0.051%; no homozygotes.

Submission:

Labcorp Genetics (formerly Invitae), Labcorp
Classification: Uncertain significance for RFT1-congenital disorder of glycosylation. Last evaluated: 2022-10-17. Review status: criteria provided, single submitter. Criteria: Invitae Variant Classification Sherloc (09022015). Collection method: clinical testing. Allele origin: germline.
Comment: This sequence change falls in intron 3 of the RFT1 gene. It does not directly change the encoded amino acid sequence of the RFT1 protein. It affects a nucleotide within the consensus splice site. This variant is present in population databases (rs778876601, gnomAD 0.03%). This variant has not been reported in the literature in individuals affected with RFT1-related conditions. ClinVar contains an entry for this variant (Variation ID: 1434229). Variants that disrupt the consensus splice site are a relatively common cause of aberrant splicing (PMID: 17576681, 9536098). Algorithms developed to predict the effect of sequence changes on RNA splicing suggest that this variant is not likely to affect RNA splicing. In summary, the available evidence is currently insufficient to determine the role of this variant in disease. Therefore, it has been classified as a Variant of Uncertain Significance.

Literature cited by the submitters: PubMed 17576681; PubMed 9536098.

NM_052859.4(RFT1):c.267-3T>C

Gene: RFT1 (RFT1 glycolipid translocator homolog; minus strand). Cytogenetic location: 3p21.1.
Variant type: single nucleotide variant.
Coding change: c.267-3T>C on transcript NM_052859.4 (MANE Select); 3 bases into the intron before coding-DNA position 267, T replaced by C.
Molecular consequence: intron variant.
Genome position (GRCh38, 1-based): chr3:53,122,566, A>G on the plus strand (T>C on the coding strand, the complement: RFT1 is on the minus strand). VCF-style: chr3-53122566-A-G. GRCh37 (hg19) VCF-style: chr3-53156582-A-G.
Identifiers: ClinVar variation 1434229 (VCV001434229.3), dbSNP rs778876601, ClinGen allele CA2451493.
Genomic context (GRCh38, chr3:53,122,566, plus strand): 5'-AAGCAGCTGCAACCAGATCCAGCCCAGGAATAAGGACCAAAACACACCCAGGGGGACTCT[A>G]GAAGAGGAGAAAAAAATAATTCACTAAATTTTAAAATAAATATAAATATATATTAAAATA-3'